The following is an entry in ClinVar:

NM_001042492.3(NF1):c.2582C>A (p.Ala861Glu)

Gene: NF1 (neurofibromin 1; plus strand). Cytogenetic location: 17q11.2.
Variant type: single nucleotide variant.
Coding change: c.2582C>A on transcript NM_001042492.3 (MANE Select); coding-DNA position 2582, C replaced by A.
Protein change: p.Ala861Glu; replaces alanine 861 with glutamic acid.
Molecular consequence: missense variant.
Genome position (GRCh38, 1-based): chr17:31,229,197, C>A. VCF-style: chr17-31229197-C-A. GRCh37 (hg19) VCF-style: chr17-29556215-C-A.
Other names: c.2582C>A, p.Ala861Glu (NM_000267.4); short protein forms A861E.
Identifiers: ClinVar variation 485930 (VCV000485930.14), dbSNP rs1555614266, ClinGen allele CA398984369.

ClinVar aggregate classification (germline): Uncertain significance. Review status: criteria provided, multiple submitters, no conflicts (2 of 4 stars). 4 submissions from 4 submitters: Uncertain significance (4). Last evaluated 2024-08-16.

Conditions:
Cardiovascular phenotype. Identifiers: MedGen CN230736.
Hereditary cancer-predisposing syndrome. Also called: Tumor predisposition; Neoplastic Syndromes, Hereditary; Hereditary Cancer Syndrome; Hereditary neoplastic syndrome. Identifiers: Orphanet 140162, MedGen C0027672, MeSH D009386, MONDO:0015356.
Juvenile myelomonocytic leukemia (JMML). Also called: LEUKEMIA, JUVENILE MYELOMONOCYTIC, SOMATIC. Identifiers: Orphanet 86834, MedGen C0349639, MONDO:0011908, OMIM 607785, HP:0012209.
Neurofibromatosis, type 1 (NF1). Also called: NEUROFIBROMATOSIS, TYPE I, SOMATIC; VON RECKLINGHAUSEN DISEASE; Neurofibromatosis, type I; Peripheral type neurofibromatosis. Identifiers: Orphanet 636, MedGen C0027831, MONDO:0018975, OMIM 162200. Disease mechanism: loss of function.

Submissions (4):

Labcorp Genetics (formerly Invitae), Labcorp
Classification: Uncertain significance for Neurofibromatosis, type 1. Last evaluated: 2024-08-16. Review status: criteria provided, single submitter. Criteria: Invitae Variant Classification Sherloc (09022015). Collection method: clinical testing. Allele origin: germline.
Comment: This sequence change replaces alanine, which is neutral and non-polar, with glutamic acid, which is acidic and polar, at codon 861 of the NF1 protein (p.Ala861Glu). This variant is not present in population databases (gnomAD no frequency). This variant has not been reported in the literature in individuals affected with NF1-related conditions. ClinVar contains an entry for this variant (Variation ID: 485930). Invitae Evidence Modeling of protein sequence and biophysical properties (such as structural, functional, and spatial information, amino acid conservation, physicochemical variation, residue mobility, and thermodynamic stability) indicates that this missense variant is not expected to disrupt NF1 protein function with a negative predictive value of 95%. In summary, the available evidence is currently insufficient to determine the role of this variant in disease. Therefore, it has been classified as a Variant of Uncertain Significance.

Baylor Genetics
Classification: Uncertain significance for Juvenile myelomonocytic leukemia. Last evaluated: 2023-09-04. Review status: criteria provided, single submitter. Criteria: ACMG Guidelines, 2015. Collection method: clinical testing. Allele origin: unknown.

Genome-Nilou Lab
Classification: Uncertain significance for Neurofibromatosis, type 1. Last evaluated: 2022-03-15. Review status: criteria provided, single submitter. Criteria: ACMG Guidelines, 2015. Collection method: clinical testing. Allele origin: germline. Affected: no.

Ambry Genetics
Classification: Uncertain significance for Cardiovascular phenotype; Hereditary cancer-predisposing syndrome. Last evaluated: 2018-11-14. Review status: criteria provided, single submitter. Criteria: Ambry Variant Classification Scheme 2023. Collection method: clinical testing. Allele origin: germline.
Comment: The p.A861E variant (also known as c.2582C>A), located in coding exon 21 of the NF1 gene, results from a C to A substitution at nucleotide position 2582. The alanine at codon 861 is replaced by glutamic acid, an amino acid with dissimilar properties. This amino acid position is well conserved in available vertebrate species. In addition, this alteration is predicted to be tolerated by in silico analysis. Since supporting evidence is limited at this time, the clinical significance of this alteration remains unclear.